The following is an entry in ClinVar:

ClinVar aggregate classification (germline): Uncertain significance. Review status: reviewed by expert panel (3 of 4 stars). 2 submissions from 2 submitters: Uncertain significance (1). 1 of the submissions does not count toward it. Last evaluated 2024-09-30.

Conditions:
Hereditary thrombocytopenia and hematologic cancer predisposition syndrome. Identifiers: Orphanet 71290, MedGen CN281654, MONDO:0011071.
Hereditary thrombocytopenia and hematological cancer predisposition syndrome associated with RUNX1. Also called: Familial Platelet Disorder with Propensity to Acute Myelogenous Leukemia; Familial thrombocytopenia with propensity to acute myelogenous leukemia; RUNX1 Familial Platelet Disorder with Associated Myeloid Malignancies; PLATELET DISORDER, ASPIRIN-LIKE. Identifiers: Orphanet 71290, MedGen C1832388, MeSH C563324, MONDO:0100083, OMIM 601399.

Submissions (2):

ClinGen Myeloid Malignancy Variant Curation Expert Panel
Classification: Uncertain significance for Hereditary thrombocytopenia and hematologic cancer predisposition syndrome. Last evaluated: 2024-09-30. Review status: reviewed by expert panel. Criteria: ClinGen MyeloMalig ACMG Specifications v2. Collection method: curation. Allele origin: germline. Inheritance: Autosomal dominant inheritance.
Comment: NM_001754.5(RUNX1):c.209A>C (p.Lys70Thr) is a missense variant which is completely absent from all population databases with at least 20x coverage for RUNX1 (PM2_supporting). Clinical and functional information for this variant has not been reported in the literature. In summary, the clinical significance of this variant is uncertain. ACMG/AMP criteria applied, as specified by the Myeloid Malignancy Variant Curation Expert Panel for RUNX1: PM2_supporting.

Labcorp Genetics (formerly Invitae), Labcorp
Classification: Uncertain significance for Hereditary thrombocytopenia and hematological cancer predisposition syndrome associated with RUNX1. Last evaluated: 2020-12-10. Review status: criteria provided, single submitter. Criteria: Invitae Variant Classification Sherloc (09022015). Collection method: clinical testing. Allele origin: germline. Not counted in ClinVar's aggregate classification.
Comment: In summary, the available evidence is currently insufficient to determine the role of this variant in disease. Therefore, it has been classified as a Variant of Uncertain Significance. Algorithms developed to predict the effect of missense changes on protein structure and function are either unavailable or do not agree on the potential impact of this missense change (SIFT: "Tolerated"; PolyPhen-2: "Probably Damaging"; Align-GVGD: "Class C0"). This variant has not been reported in the literature in individuals with RUNX1-related conditions. This variant is not present in population databases (ExAC no frequency). This sequence change replaces lysine with threonine at codon 70 of the RUNX1 protein (p.Lys70Thr). The lysine residue is moderately conserved and there is a moderate physicochemical difference between lysine and threonine.

NM_001754.5(RUNX1):c.209A>C (p.Lys70Thr)

Gene: RUNX1 (RUNX family transcription factor 1; minus strand). Cytogenetic location: 21q22.12.
Variant type: single nucleotide variant.
Coding change: c.209A>C on transcript NM_001754.5 (MANE Select); coding-DNA position 209, A replaced by C.
Protein change: p.Lys70Thr; replaces lysine 70 with threonine.
Molecular consequence: missense variant.
Genome position (GRCh38, 1-based): chr21:34,886,985, T>G on the plus strand (A>C on the coding strand, the complement: RUNX1 is on the minus strand). VCF-style: chr21-34886985-T-G. GRCh37 (hg19) VCF-style: chr21-36259282-T-G.
Other names: NM_001754.5(RUNX1):c.209A>C; p.Lys70Thr; c.128A>C, p.Lys43Thr (NM_001001890.3, NM_001122607.2); short protein forms K43T, K70T.
Identifiers: ClinVar variation 1428742 (VCV001428742.9), dbSNP rs1411791016, ClinGen allele CA410203897.
Genomic context (GRCh38, chr21:34,886,985, plus strand): 5'-ACCAGCTCGCCCGGGTGGTCGGCCAGCACCTCCACCATGCTGCGGTCGCCGCTCCTCAGC[T>G]TGCCGGCCAGGGCAGCGCCGGCGTCCGGGGCGCCCAGCGGCAACGCCTCGCTCATCTTGC-3'
Protein context (NP_001745.2, residues 60-80): APDAGAALAG[Lys70Thr]LRSGDRSMVE